The following is an entry in ClinVar:

ClinVar aggregate classification (germline): Pathogenic (1 of 4 stars; one submission).

Submission:

GeneDx
Classification: Pathogenic. Last evaluated: 2018-05-25. Review status: criteria provided, single submitter. Criteria: GeneDx Variant Classification (06012015). Collection method: clinical testing. Allele origin: germline. Affected: yes.
Comment: The c.4186delT variant in the ACAN gene has not been reported previously as a pathogenic variant nor as a benign variant, to our knowledge. The c.4186delT variant causes a frameshift starting with codon Serine 1396, changes this amino acid to a Leucine residue, and creates a premature Stop codon at position 5 of the new reading frame, denoted p.Ser1396LeufsX5. This variant is predicted to cause loss of normal protein function either through protein truncation or nonsense-mediated mRNA decay. The c.4186delT variant is not observed in large population cohorts (Lek et al., 2016). We interpret c.4186delT as a pathogenic variant.

NM_001369268.1(ACAN):c.4186del (p.Ser1396fs)

Gene: ACAN (aggrecan; plus strand). Cytogenetic location: 15q26.1.
Variant type: Deletion.
Coding change: c.4186del on transcript NM_001369268.1 (MANE Select); coding-DNA position 4186, one base deleted (T; older notation c.4186delT).
Protein change: p.Ser1396fs; shifts the reading frame from serine 1396.
Molecular consequence: frameshift variant.
Genome position (GRCh38, 1-based): chr15:88,856,771, T deleted; the last of 2 consecutive T bases (chr15:88,856,770-88,856,771); deleting either gives the same sequence. VCF-style (leftmost placement, unchanged base first): chr15-88856769-CT-C. GRCh37 (hg19) VCF-style: chr15-89400000-CT-C.
Other names: c.4186delT (NM_013227.3); c.4186del, p.Ser1396fs (NM_001135.4, NM_013227.4); short protein forms S1396fs.
Identifiers: ClinVar variation 545932 (VCV000545932.2), dbSNP rs1555455969, ClinGen allele CA658824289.
Genomic context (GRCh38, chr15:88,856,769, plus strand): 5'-TTCCTTCTGGAGAAGTTCTAGAGACTGCTGCCCCTGGAGTAGAGGACATCAGCGGGCTTC[CT>C]TCTGGAGAAGTTCTAGAGACTACTGCCCCTGGAGTAGAGGAGATCAGCGGGCTTCCTTCT-3'